The following is an entry in ClinVar:

ClinVar aggregate classification (germline): Pathogenic (1 of 4 stars; one submission).

Allele frequency attached by ClinVar (database versions not stated): TOPMed below 0.00001.

Submission:

Labcorp Genetics (formerly Invitae), Labcorp
Classification: Pathogenic. Last evaluated: 2023-08-16. Review status: criteria provided, single submitter. Criteria: Invitae Variant Classification Sherloc (09022015). Collection method: clinical testing. Allele origin: germline.
Comment: For these reasons, this variant has been classified as Pathogenic. This premature translational stop signal has been observed in individual(s) with DUOX2-related conditions (PMID: 28648508). This variant is not present in population databases (gnomAD no frequency). This sequence change creates a premature translational stop signal (p.Cys55*) in the DUOX2 gene. It is expected to result in an absent or disrupted protein product. Loss-of-function variants in DUOX2 are known to be pathogenic (PMID: 12110737, 18765513, 21565790, 24423310, 24735383).

Literature cited by the submitters: PubMed 28648508; PubMed 12110737; PubMed 18765513; PubMed 21565790; PubMed 24423310; PubMed 24735383.

NM_001363711.2(DUOX2):c.165C>A (p.Cys55Ter)

Gene: DUOX2 (dual oxidase 2; minus strand). Cytogenetic location: 15q21.1.
Variant type: single nucleotide variant.
Coding change: c.165C>A on transcript NM_001363711.2 (MANE Select); coding-DNA position 165, C replaced by A.
Protein change: p.Cys55Ter; replaces cysteine 55 with a stop codon.
Molecular consequence: nonsense.
Genome position (GRCh38, 1-based): chr15:45,112,714, G>T on the plus strand (C>A on the coding strand, the complement: DUOX2 is on the minus strand). VCF-style: chr15-45112714-G-T. GRCh37 (hg19) VCF-style: chr15-45404912-G-T.
Other names: c.165C>A, p.Cys55Ter (NM_014080.5); short protein forms C55*.
Identifiers: ClinVar variation 2853793 (VCV002853793.3), dbSNP rs1284315880, ClinGen allele CA392279946.